The following is an entry in ClinVar:

NM_001282933.2(ZNF341):c.532C>A (p.Pro178Thr)

Gene: ZNF341 (zinc finger protein 341; plus strand). Cytogenetic location: 20q11.22.
Variant type: single nucleotide variant.
Coding change: c.532C>A on transcript NM_001282933.2 (MANE Select); coding-DNA position 532, C replaced by A.
Protein change: p.Pro178Thr; replaces proline 178 with threonine.
Molecular consequence: missense variant. On other transcripts: non-coding transcript variant (1).
Genome position (GRCh38, 1-based): chr20:33,753,214, C>A. VCF-style: chr20-33753214-C-A. GRCh37 (hg19) VCF-style: chr20-32341020-C-A.
Other names: c.532C>A (NM_032819.3); c.262C>A, p.Pro88Thr (NM_001282935.2); c.532C>A, p.Pro178Thr (NM_032819.5); short protein forms P88T, P178T.
Identifiers: ClinVar variation 2176561 (VCV002176561.3), dbSNP rs775782494, ClinGen allele CA9819205.

ClinVar aggregate classification (germline): Uncertain significance. Review status: criteria provided, multiple submitters, no conflicts (2 of 4 stars). 2 submissions from 2 submitters: Uncertain significance (2). Last evaluated 2025-07-14.

Allele frequency attached by ClinVar (database versions not stated): gnomAD exomes 0.00001; ExAC 0.00002; TOPMed 0.00003; gnomAD 0.00005.
gnomAD v4.1: 24 of 1,611,876 alleles (0.0015%); highest among the groups gnomAD compares: Non-Finnish European, 0.002%; no homozygotes.

Submissions (2):

Ambry Genetics
Classification: Uncertain significance. Last evaluated: 2025-07-14. Review status: criteria provided, single submitter. Criteria: Ambry Variant Classification Scheme 2023. Collection method: clinical testing. Allele origin: germline.

Labcorp Genetics (formerly Invitae), Labcorp
Classification: Uncertain significance. Last evaluated: 2023-11-27. Review status: criteria provided, single submitter. Criteria: Invitae Variant Classification Sherloc (09022015). Collection method: clinical testing. Allele origin: germline.
Comment: This sequence change replaces proline, which is neutral and non-polar, with threonine, which is neutral and polar, at codon 178 of the ZNF341 protein (p.Pro178Thr). This variant is present in population databases (rs775782494, gnomAD 0.006%). This variant has not been reported in the literature in individuals affected with ZNF341-related conditions. ClinVar contains an entry for this variant (Variation ID: 2176561). An algorithm developed to predict the effect of missense changes on protein structure and function (PolyPhen-2) suggests that this variant is likely to be disruptive. In summary, the available evidence is currently insufficient to determine the role of this variant in disease. Therefore, it has been classified as a Variant of Uncertain Significance.